The following is an entry in ClinVar:

NM_004599.4(SREBF2):c.3189G>A (p.Thr1063=)

Gene: SREBF2 (sterol regulatory element binding transcription factor 2; plus strand). Cytogenetic location: 22q13.2.
Variant type: single nucleotide variant.
Coding change: c.3189G>A on transcript NM_004599.4 (MANE Select); coding-DNA position 3189, G replaced by A.
Protein change: p.Thr1063=; no amino-acid change (threonine 1063 retained).
Molecular consequence: synonymous variant. On other transcripts: non-coding transcript variant (1).
Genome position (GRCh38, 1-based): chr22:41,904,958, G>A. VCF-style: chr22-41904958-G-A. GRCh37 (hg19) VCF-style: chr22-42300962-G-A.
Identifiers: ClinVar variation 3354129 (VCV003354129.1).

ClinVar aggregate classification (germline): Likely benign (0 of 4 stars; one submission).

Conditions:
SREBF2-related disorder. Also called: SREBF2-related condiiton.

gnomAD v4.1: 131 of 1,597,384 alleles (0.0082%); highest among the groups gnomAD compares: Middle Eastern, 0.037%; no homozygotes.

Submission:

PreventionGenetics, part of Exact Sciences
Classification: Likely benign for SREBF2-related condition. Last evaluated: 2024-07-25. Review status: no assertion criteria provided. Collection method: clinical testing. Allele origin: germline.
Comment: This variant is classified as likely benign based on ACMG/AMP sequence variant interpretation guidelines (Richards et al. 2015 PMID: 25741868, with internal and published modifications).